The following is an entry in ClinVar:

NM_017763.6(RNF43):c.2299_2300delinsTT (p.Ala767Phe)

Gene: RNF43 (ring finger protein 43; minus strand). Cytogenetic location: 17q22.
Variant type: Indel.
Coding change: c.2299_2300delinsTT on transcript NM_017763.6 (MANE Select); coding-DNA positions 2299 to 2300, GC replaced by TT.
Protein change: p.Ala767Phe; replaces alanine 767 with phenylalanine.
Molecular consequence: missense variant.
Genome position (GRCh38, 1-based): chr17:58,357,476-58,357,477, GC replaced by AA on the plus strand (GC replaced by TT on the coding strand, the reverse complement: RNF43 is on the minus strand). VCF-style: chr17-58357476-GC-AA. GRCh37 (hg19) VCF-style: chr17-56434837-GC-AA.
Other names: c.2299_2300delGCinsTT, p.Ala767Phe (NM_001305544.3); c.1918_1919delGCinsTT, p.Ala640Phe (NM_001305545.2); short protein forms A767F, A640F.
Identifiers: ClinVar variation 3946864 (VCV003946864.1).

ClinVar aggregate classification (germline): Uncertain significance (1 of 4 stars; one submission).

Submission:

Ambry Genetics
Classification: Uncertain significance. Last evaluated: 2025-05-13. Review status: criteria provided, single submitter. Criteria: Ambry Variant Classification Scheme 2023. Collection method: clinical testing. Allele origin: germline.
Comment: The c.2299_2300delGCinsTT variant, located in coding exon 8 of the RNF43 gene, results from an in-frame deletion of GC and insertion of TT at nucleotide positions 2299 to 2300. This results in the substitution of the alanine residue for a phenylalanine residue at codon 767, an amino acid with dissimilar properties. This amino acid position is well conserved in available vertebrate species. In addition, this variant is predicted to be neutral by in silico analysis (Choi Y et al. PLoS ONE. 2012; 7(10):e46688). Based on the available evidence, the clinical significance of this variant remains unclear.